The following is an entry in ClinVar:

ClinVar aggregate classification (germline): Uncertain significance (1 of 4 stars; one submission).

Conditions:
Dyskeratosis congenita. Identifiers: Orphanet 1775, MedGen C0265965, MONDO:0015780.

Allele frequency attached by ClinVar (database versions not stated): gnomAD exomes below 0.00001.

Submission:

Labcorp Genetics (formerly Invitae), Labcorp
Classification: Uncertain significance for Dyskeratosis congenita. Last evaluated: 2023-03-07. Review status: criteria provided, single submitter. Criteria: Invitae Variant Classification Sherloc (09022015). Collection method: clinical testing. Allele origin: germline.
Comment: In summary, the available evidence is currently insufficient to determine the role of this variant in disease. Therefore, it has been classified as a Variant of Uncertain Significance. Variants that disrupt the consensus splice site are a relatively common cause of aberrant splicing (PMID: 17576681, 9536098). An algorithm developed to predict the effect of missense changes on protein structure and function (PolyPhen-2) suggests that this variant is likely to be disruptive. This variant has not been reported in the literature in individuals affected with NHP2-related conditions. This variant is not present in population databases (gnomAD no frequency). This sequence change replaces alanine, which is neutral and non-polar, with threonine, which is neutral and polar, at codon 54 of the NHP2 protein (p.Ala54Thr). This variant also falls at the last nucleotide of exon 1, which is part of the consensus splice site for this exon.

Literature cited by the submitters: PubMed 17576681; PubMed 9536098.

NM_017838.4(NHP2):c.160G>A (p.Ala54Thr)

Gene: NHP2 (NHP2 ribonucleoprotein; minus strand). Cytogenetic location: 5q35.3.
Variant type: single nucleotide variant.
Coding change: c.160G>A on transcript NM_017838.4 (MANE Select); coding-DNA position 160, G replaced by A.
Protein change: p.Ala54Thr; replaces alanine 54 with threonine.
Molecular consequence: missense variant.
Genome position (GRCh38, 1-based): chr5:178,153,658, C>T on the plus strand (G>A on the coding strand, the complement: NHP2 is on the minus strand). VCF-style: chr5-178153658-C-T. GRCh37 (hg19) VCF-style: chr5-177580659-C-T.
Other names: c.160G>A, p.Ala54Thr (NM_001034833.2, NM_001396110.1); short protein forms A54T.
Identifiers: ClinVar variation 2918752 (VCV002918752.3), dbSNP rs1561645299, ClinGen allele CA362392720.
Genomic context (GRCh38, chr5:178,153,658, plus strand): 5'-GCCACCCGCGCACCCATCCCACCCGCGCACCCATCCCGGCCACGCCGCCGTCCGCCTCAC[C>T]TTTCTTGATGCATTTGTAGAGCTTCCGCGTGAGGCGGCGAGAAGCCAGGGGCTGCGCGAT-3'
Protein context (NP_060308.1, residues 44-64): TRKLYKCIKK[Ala54Thr]VKQKQIRRGV